The following is an entry in ClinVar:

NM_012144.4(DNAI1):c.1570-1G>T

Gene: DNAI1 (dynein axonemal intermediate chain 1; plus strand). Cytogenetic location: 9p13.3.
Variant type: single nucleotide variant.
Coding change: c.1570-1G>T on transcript NM_012144.4 (MANE Select); the canonical splice acceptor site of the intron before coding-DNA position 1570, G replaced by T.
Molecular consequence: splice acceptor variant.
Genome position (GRCh38, 1-based): chr9:34,514,393, G>T. VCF-style: chr9-34514393-G-T. GRCh37 (hg19) VCF-style: chr9-34514391-G-T.
Other names: c.1582-1G>T (NM_001281428.2).
Identifiers: ClinVar variation 664085 (VCV000664085.15), dbSNP rs1587091911, ClinGen allele CA373262940.
Genomic context (GRCh38, chr9:34,514,393, plus strand): 5'-CAGGGAAGTGGTGGCTGCTGACCTTTCTCTCACTTCTGACCCCCGTTCCCTCCCCGACCA[G>T]TGCTCTAAATCCTACTCCAGCCAATTCCTCGACACCTATGACGCCCACAACATGTCAGTG-3'

ClinVar aggregate classification (germline): Likely pathogenic. Review status: criteria provided, multiple submitters, no conflicts (2 of 4 stars). 4 submissions from 4 submitters: Likely pathogenic (4). Last evaluated 2026-03-27.

Conditions:
Kartagener syndrome (CILD1). Also called: CILIARY DYSKINESIA, PRIMARY, 1, WITH OR WITHOUT SITUS INVERSUS; CILIARY DYSKINESIA, PRIMARY, 1; Dextrocardia bronchiectasis and sinusitis; SIEWERT SYNDROME; IMMOTILE CILIA SYNDROME; POLYNESIAN BRONCHIECTASIS. Identifiers: Orphanet 244, MedGen C4551906, MONDO:0009484, OMIM 244400.
DNAI1-related disorders.
Primary ciliary dyskinesia. Also called: Ciliary dyskinesia. Identifiers: Orphanet 244, MedGen C0008780, MONDO:0016575, HP:0012265.

gnomAD v4.1: 14 of 1,613,928 alleles (0.00087%); highest among the groups gnomAD compares: Non-Finnish European, 0.0012%; no homozygotes.

Submissions (4):

Myriad Genetics, Inc.
Classification: Likely pathogenic for Kartagener syndrome. Last evaluated: 2026-03-27. Review status: criteria provided, single submitter. Criteria: Myriad Autosomal Dominant, Autosomal Recessive and X-Linked Classification Criteria (2023). Collection method: clinical testing. Allele origin: unknown.
Comment: NM_012144.2(DNAI1):c.1570-1G>T is a variant in a canonical splice site classified as likely pathogenic in the context of primary ciliary dyskinesia, DNAI1-related. c.1570-1G>T has not been observed in cases with relevant disease. Relevant functional assessments of this variant are not available in the literature. c.1570-1G>T has not been observed in referenced population frequency databases. In summary, NM_012144.2(DNAI1):c.1570-1G>T is a variant in a canonical splice site in a gene where loss of function is a known mechanism of disease and is predicted to disrupt protein function. Please note: this variant was assessed in the context of healthy population screening.

Natera, Inc.
Classification: Likely pathogenic for Primary ciliary dyskinesia. Last evaluated: 2025-06-11. Review status: criteria provided, single submitter. Criteria: Natera Variant Classification Schema (03/2026). Collection method: clinical testing. Allele origin: germline.
Comment: The c.1570-1G>T variant in DNAI1 is a canonical splice acceptor site variant predicted to affect pre-mRNA splicing, which may result in an abnormal transcript and altered protein product. This variant is expected to result in nonsense mediated decay, truncation, or a dysfunctional protein product. This variant is rare in the general population with a frequency below the threshold expected for the associated phenotype(s). Given the available evidence, this variant is classified as Likely Pathogenic.

Labcorp Genetics (formerly Invitae), Labcorp
Classification: Likely pathogenic for Primary ciliary dyskinesia. Last evaluated: 2025-03-27. Review status: criteria provided, single submitter. Criteria: Invitae Variant Classification Sherloc (09022015). Collection method: clinical testing. Allele origin: germline.
Comment: This sequence change affects an acceptor splice site in intron 16 of the DNAI1 gene. It is expected to disrupt RNA splicing. Variants that disrupt the donor or acceptor splice site typically lead to a loss of protein function (PMID: 16199547), and loss-of-function variants in DNAI1 are known to be pathogenic (PMID: 16858015, 29363216). This variant is not present in population databases (gnomAD no frequency). This variant has not been reported in the literature in individuals affected with DNAI1-related conditions. ClinVar contains an entry for this variant (Variation ID: 664085). Algorithms developed to predict the effect of sequence changes on RNA splicing suggest that this variant may disrupt the consensus splice site. In summary, the currently available evidence indicates that the variant is pathogenic, but additional data are needed to prove that conclusively. Therefore, this variant has been classified as Likely Pathogenic.

Blueprint Genetics
Classification: Likely pathogenic for DNAI1-related disorders. Last evaluated: 2024-11-08. Review status: criteria provided, single submitter. Criteria: ACMG Guidelines, 2015. Collection method: clinical testing. Allele origin: germline. Affected: yes. Observed: 2 variant alleles.

Literature cited by the submitters: PubMed 16199547 (cited by Labcorp Genetics (formerly Invitae), Labcorp); PubMed 16858015 (cited by Labcorp Genetics (formerly Invitae), Labcorp); PubMed 29363216 (cited by Labcorp Genetics (formerly Invitae), Labcorp).